The following is an entry in ClinVar:

ClinVar aggregate classification (germline): Pathogenic/Likely pathogenic. Review status: criteria provided, multiple submitters, no conflicts (2 of 4 stars). 2 submissions from 2 submitters: Pathogenic (1); Likely pathogenic (1). Last evaluated 2023-05-20.

Conditions:
Autosomal recessive limb-girdle muscular dystrophy type 2B (LGMDR2). Also called: Limb-girdle muscular dystrophy, type 2B; MUSCULAR DYSTROPHY, LIMB-GIRDLE, AUTOSOMAL RECESSIVE 2; Limb-Girdle Muscular Dystrophy Type 2B (LGMD2B); MUSCULAR DYSTROPHY, LIMB-GIRDLE, TYPE 3. Identifiers: Orphanet 268, MedGen C1850889, MONDO:0009676, OMIM 253601.

Submissions (2):

Neuberg Centre For Genomic Medicine, NCGM
Classification: Likely pathogenic for Autosomal recessive limb-girdle muscular dystrophy type 2B. Last evaluated: 2023-05-20. Review status: criteria provided, single submitter. Criteria: ACMG Guidelines, 2015. Collection method: clinical testing. Allele origin: germline. Inheritance: Autosomal recessive inheritance. Affected: yes.
Comment: The observed stop gained variant c.1330A>T (p.Lys444Ter) in the DYSF gene has not been reported previously as a pathogenic variant nor as a benign variant, to our knowledge. This variant is absent in the gnomAD Exomes. It is submitted to ClinVar as Pathogenic. However, no details are available for independent assessment. This variant is predicted to cause loss of normal protein function either through protein truncation or nonsense-mediated mRNA decay. Loss of function variants have been previously reported to be disease causing (Park HJ, et al., 2021). Computational evidence (MutationTaster - Disease causing) predicts damaging effect on protein structure and function for this variant. For these reasons, this variant has been classified as Likely Pathogenic.

Revvity Omics, Revvity
Classification: Pathogenic. Last evaluated: 2019-08-09. Review status: criteria provided, single submitter. Criteria: ACMG Guidelines, 2015. Collection method: clinical testing. Allele origin: germline.

NM_001130987.2(DYSF):c.1330A>T (p.Lys444Ter)

Gene: DYSF (dysferlin; plus strand). Cytogenetic location: 2p13.2.
Variant type: single nucleotide variant.
Coding change: c.1330A>T on transcript NM_001130987.2 (MANE Select); coding-DNA position 1330, A replaced by T.
Protein change: p.Lys444Ter; replaces lysine 444 with a stop codon.
Molecular consequence: nonsense.
Genome position (GRCh38, 1-based): chr2:71,528,351, A>T. VCF-style: chr2-71528351-A-T. GRCh37 (hg19) VCF-style: chr2-71755481-A-T.
Other names: c.1237A>T, p.Lys413Ter (NM_001130455.2, NM_001130983.2, NM_001130984.2 and 1 more transcripts); c.1234A>T, p.Lys412Ter (NM_001130976.2, NM_001130977.2, NM_001130978.2 and 1 more transcripts); c.1327A>T, p.Lys443Ter (NM_001130979.2, NM_001130980.2, NM_001130981.2); c.1330A>T, p.Lys444Ter (NM_001130982.2, NM_001130985.2); short protein forms K412*, K413*, K443*, K444*.
Identifiers: ClinVar variation 1322811 (VCV001322811.5), dbSNP rs2152751290, ClinGen allele CA347214787.